The following is an entry in ClinVar:

NM_017514.5(PLXNA3):c.2164G>A (p.Val722Met)

Gene: PLXNA3 (plexin A3; plus strand). Cytogenetic location: Xq28.
Variant type: single nucleotide variant.
Coding change: c.2164G>A on transcript NM_017514.5 (MANE Select); coding-DNA position 2164, G replaced by A.
Protein change: p.Val722Met; replaces valine 722 with methionine.
Molecular consequence: missense variant.
Genome position (GRCh38, 1-based): chrX:154,465,138, G>A. VCF-style: chrX-154465138-G-A. GRCh37 (hg19) VCF-style: chrX-153693481-G-A.
Other names: c.2164G>A (NM_017514.3); short protein forms V722M.
Identifiers: ClinVar variation 3030003 (VCV003030003.4), dbSNP rs781912419, ClinGen allele CA10564289.
Genomic context (GRCh38, chrX:154,465,138, plus strand): 5'-CTTACCTTGCGGGCTAAGAACCTACCTCAGCCGCAGTCGGGCCAGAAGAACTATGAGTGC[G>A]TGGTGCGGGTGCAGGGGCGGCAGCAGCGGGTGCCTGCCGTGCGCTTCAACAGCAGCAGTG-3'
Protein context (NP_059984.3, residues 712-732): PQSGQKNYEC[Val722Met]VRVQGRQQRV

ClinVar aggregate classification (germline): Uncertain significance. Review status: criteria provided, multiple submitters, no conflicts (2 of 4 stars). 2 submissions from 2 submitters: Uncertain significance (2). Last evaluated 2024-10-31.

Conditions:
PLXNA3-related disorder. Also called: PLXNA3-related condition.

Allele frequency attached by ClinVar (database versions not stated): gnomAD exomes 0.00001; gnomAD 0.00002; TOPMed 0.00003; ExAC 0.00004.
gnomAD v4.1: 16 of 1,209,620 alleles (0.0013%); highest among the groups gnomAD compares: East Asian, 0.0059%; no homozygotes.

Submissions (2):

PreventionGenetics, part of Exact Sciences
Classification: Uncertain significance for PLXNA3-related condition. Last evaluated: 2024-10-31. Review status: criteria provided, single submitter. Criteria: ACMG Guidelines, 2015. Collection method: clinical testing. Allele origin: germline.
Comment: The PLXNA3 c.2164G>A variant is predicted to result in the amino acid substitution p.Val722Met. To our knowledge, this variant has not been reported in the literature. This variant is reported in 0.0077% of alleles in individuals of African descent in gnomAD. At this time, the clinical significance of this variant is uncertain due to the absence of conclusive functional and genetic evidence.

Ambry Genetics
Classification: Uncertain significance. Last evaluated: 2023-12-26. Review status: criteria provided, single submitter. Criteria: Ambry Variant Classification Scheme 2023. Collection method: clinical testing. Allele origin: germline.